The following is an entry in ClinVar:

NM_001330311.2(DVL1):c.727T>C (p.Ser243Pro)

Gene: DVL1 (dishevelled segment polarity protein 1; minus strand). Cytogenetic location: 1p36.33.
Variant type: single nucleotide variant.
Coding change: c.727T>C on transcript NM_001330311.2 (MANE Select); coding-DNA position 727, T replaced by C.
Protein change: p.Ser243Pro; replaces serine 243 with proline.
Molecular consequence: missense variant.
Genome position (GRCh38, 1-based): chr1:1,340,289, A>G on the plus strand (T>C on the coding strand, the complement: DVL1 is on the minus strand). VCF-style: chr1-1340289-A-G. GRCh37 (hg19) VCF-style: chr1-1275669-A-G.
Other names: c.727T>C, p.Ser243Pro (NM_004421.3); short protein forms S243P.
Identifiers: ClinVar variation 2723677 (VCV002723677.3), dbSNP rs1471604031, ClinGen allele CA337870650.
Genomic context (GRCh38, chr1:1,340,289, plus strand): 5'-CTCGCCCCGAGGCCTCACCCATGTTGAGCGTGACAGTGACGATGTTGAGGGACATGGTGG[A>G]GTCGGTTATGCTGCTGAAGGAGGAGGCCTATGGAGGAGAGGGGGCGTGTGTAAAAGGCAC-3'
Protein context (NP_001317240.1, residues 233-253): RASSFSSITD[Ser243Pro]TMSLNIVTVT

ClinVar aggregate classification (germline): Uncertain significance (1 of 4 stars; one submission).

Allele frequency attached by ClinVar (database versions not stated): TOPMed 0.00001.

Submission:

Labcorp Genetics (formerly Invitae), Labcorp
Classification: Uncertain significance. Last evaluated: 2025-12-18. Review status: criteria provided, single submitter. Criteria: Invitae Variant Classification Sherloc (09022015). Collection method: clinical testing. Allele origin: germline.
Comment: This sequence change replaces serine, which is neutral and polar, with proline, which is neutral and non-polar, at codon 243 of the DVL1 protein (p.Ser243Pro). This variant is present in population databases (no rsID available, gnomAD 0.003%). This variant has not been reported in the literature in individuals affected with DVL1-related conditions. ClinVar contains an entry for this variant (Variation ID: 2723677). Invitae Evidence Modeling of protein sequence and biophysical properties (such as structural, functional, and spatial information, amino acid conservation, physicochemical variation, residue mobility, and thermodynamic stability) indicates that this missense variant is expected to disrupt DVL1 protein function with a positive predictive value of 80%. In summary, the available evidence is currently insufficient to determine the role of this variant in disease. Therefore, it has been classified as a Variant of Uncertain Significance.